The following is an entry in ClinVar:

NM_001037132.4(NRCAM):c.2036-8G>A

Gene: NRCAM (neuronal cell adhesion molecule; minus strand). Cytogenetic location: 7q31.1.
Variant type: single nucleotide variant.
Coding change: c.2036-8G>A on transcript NM_001037132.4 (MANE Select); 8 bases into the intron before coding-DNA position 2036, G replaced by A.
Molecular consequence: intron variant. On other transcripts: non-coding transcript variant (1).
Genome position (GRCh38, 1-based): chr7:108,184,622, C>T on the plus strand (G>A on the coding strand, the complement: NRCAM is on the minus strand). VCF-style: chr7-108184622-C-T. GRCh37 (hg19) VCF-style: chr7-107825066-C-T.
Other names: c.1979-8G>A (NM_001371122.1, NM_001371124.1, NM_001371119.1 and 22 more transcripts); c.2036-8G>A (NM_001371123.1, NM_001371161.1, NM_001371138.1 and 10 more transcripts); c.1988-8G>A (NM_001371151.1, NM_001371175.1, NM_005010.5 and 8 more transcripts); c.1691-8G>A (NM_001371164.1, NM_001371125.1, NM_001371143.1 and 2 more transcripts); c.1718-8G>A (NM_001371148.1, NM_001371170.1, NM_001371180.1 and 1 more transcripts); c.1079-8G>A (NM_001371137.1); c.1985-8G>A (NM_001371134.1); c.2018-8G>A (NM_001371160.1); and 3 more.
Identifiers: ClinVar variation 3038598 (VCV003038598.2), dbSNP rs180697830, ClinGen allele CA4438714.

ClinVar aggregate classification (germline): Likely benign (0 of 4 stars; one submission).

Conditions:
NRCAM-related disorder.

Allele frequency attached by ClinVar (database versions not stated): ESP Exome Variant Server 0.00015; gnomAD exomes 0.00015; TOPMed 0.00024; gnomAD 0.00035; ExAC 0.00050; 1000 Genomes Project 0.00160; 1000 Genomes Project 30x 0.00172.
gnomAD v4.1: 284 of 1,609,920 alleles (0.018%); highest among the groups gnomAD compares: East Asian, 0.37%; 1 homozygote.

Submission:

PreventionGenetics, part of Exact Sciences
Classification: Likely benign for NRCAM-related condition. Last evaluated: 2019-05-24. Review status: no assertion criteria provided. Collection method: clinical testing. Allele origin: germline.
Comment: This variant is classified as likely benign based on ACMG/AMP sequence variant interpretation guidelines (Richards et al. 2015 PMID: 25741868, with internal and published modifications).